The following is an entry in ClinVar:

NM_000751.3(CHRND):c.167T>C (p.Leu56Pro)

Gene: CHRND (cholinergic receptor nicotinic delta subunit; plus strand). Cytogenetic location: 2q37.1.
Variant type: single nucleotide variant.
Coding change: c.167T>C on transcript NM_000751.3 (MANE Select); coding-DNA position 167, T replaced by C.
Protein change: p.Leu56Pro; replaces leucine 56 with proline.
Molecular consequence: missense variant. On other transcripts: 5 prime UTR variant (2).
Genome position (GRCh38, 1-based): chr2:232,526,643, T>C. VCF-style: chr2-232526643-T-C. GRCh37 (hg19) VCF-style: chr2-233391353-T-C.
Other names: c.167T>C, p.Leu56Pro (NM_001256657.2); c.-105T>C (NM_001311195.2, NM_001311196.2); short protein forms L56P.
Identifiers: ClinVar variation 466191 (VCV000466191.8), dbSNP rs1553573832, ClinGen allele CA350996142.
Genomic context (GRCh38, chr2:232,526,643, plus strand): 5'-AGGGCTACAACAAGGAGCTCCGGCCCGTGGCACACAAAGAGGAGAGTGTGGACGTTGCCC[T>C]GGCCCTCACACTCTCCAACCTCATCTCCCTGGTGAGAGGCCCTCCGGTGCTGGGTTGGGA-3'
Protein context (NP_000742.1, residues 46-66): AHKEESVDVA[Leu56Pro]ALTLSNLISL

ClinVar aggregate classification (germline): Uncertain significance (1 of 4 stars; one submission).

Conditions:
Lethal multiple pterygium syndrome (LMPS). Identifiers: Orphanet 33108, MedGen C1854678, MONDO:0009668, OMIM 253290.

Submission:

Labcorp Genetics (formerly Invitae), Labcorp
Classification: Uncertain significance for Lethal multiple pterygium syndrome. Last evaluated: 2022-06-20. Review status: criteria provided, single submitter. Criteria: Invitae Variant Classification Sherloc (09022015). Collection method: clinical testing. Allele origin: germline.
Comment: In summary, the available evidence is currently insufficient to determine the role of this variant in disease. Therefore, it has been classified as a Variant of Uncertain Significance. This variant is not present in population databases (gnomAD no frequency). This variant has not been reported in the literature in individuals affected with CHRND-related conditions. ClinVar contains an entry for this variant (Variation ID: 466191). Advanced modeling of protein sequence and biophysical properties (such as structural, functional, and spatial information, amino acid conservation, physicochemical variation, residue mobility, and thermodynamic stability) performed at Invitae indicates that this missense variant is expected to disrupt CHRND protein function. This sequence change replaces leucine, which is neutral and non-polar, with proline, which is neutral and non-polar, at codon 56 of the CHRND protein (p.Leu56Pro).